The following is an entry in ClinVar:

NM_006767.4(LZTR1):c.872C>G (p.Ala291Gly)

Gene: LZTR1 (leucine zipper like post translational regulator 1; plus strand). Cytogenetic location: 22q11.21.
Variant type: single nucleotide variant.
Coding change: c.872C>G on transcript NM_006767.4 (MANE Select); coding-DNA position 872, C replaced by G.
Protein change: p.Ala291Gly; replaces alanine 291 with glycine.
Molecular consequence: missense variant.
Genome position (GRCh38, 1-based): chr22:20,991,708, C>G. VCF-style: chr22-20991708-C-G. GRCh37 (hg19) VCF-style: chr22-21345997-C-G.
Other names: c.872C>G (NM_006767.3); short protein forms A291G.
Identifiers: ClinVar variation 2816782 (VCV002816782.4), dbSNP rs1267787064, ClinGen allele CA410781317.

ClinVar aggregate classification (germline): Uncertain significance. Review status: criteria provided, multiple submitters, no conflicts (2 of 4 stars). 2 submissions from 2 submitters: Uncertain significance (2). Last evaluated 2024-08-16.

Conditions:
Cardiovascular phenotype. Identifiers: MedGen CN230736.
Hereditary cancer-predisposing syndrome. Also called: Neoplastic Syndromes, Hereditary; Tumor predisposition; Hereditary Cancer Syndrome; Hereditary neoplastic syndrome. Identifiers: Orphanet 140162, MedGen C0027672, MeSH D009386, MONDO:0015356.

Allele frequency attached by ClinVar (database versions not stated): TOPMed below 0.00001.
gnomAD v4.1: 1 of 1,593,030 alleles (0.000063%); highest among the groups gnomAD compares: South Asian, 0.0011%; no homozygotes.

Submissions (2):

Ambry Genetics
Classification: Uncertain significance for Cardiovascular phenotype; Hereditary cancer-predisposing syndrome. Last evaluated: 2024-08-16. Review status: criteria provided, single submitter. Criteria: Ambry Variant Classification Scheme 2023. Collection method: clinical testing. Allele origin: germline.
Comment: The p.A291G variant (also known as c.872C>G), located in coding exon 9 of the LZTR1 gene, results from a C to G substitution at nucleotide position 872. The alanine at codon 291 is replaced by glycine, an amino acid with similar properties. This amino acid position is conserved. In addition, the in silico prediction for this alteration is inconclusive. Based on the available evidence, the clinical significance of this variant remains unclear.

Labcorp Genetics (formerly Invitae), Labcorp
Classification: Uncertain significance. Last evaluated: 2024-04-10. Review status: criteria provided, single submitter. Criteria: Invitae Variant Classification Sherloc (09022015). Collection method: clinical testing. Allele origin: germline.
Comment: This sequence change replaces alanine, which is neutral and non-polar, with glycine, which is neutral and non-polar, at codon 291 of the LZTR1 protein (p.Ala291Gly). This variant is not present in population databases (gnomAD no frequency). This variant has not been reported in the literature in individuals affected with LZTR1-related conditions. Advanced modeling of protein sequence and biophysical properties (such as structural, functional, and spatial information, amino acid conservation, physicochemical variation, residue mobility, and thermodynamic stability) performed at Invitae indicates that this missense variant is not expected to disrupt LZTR1 protein function with a negative predictive value of 80%. In summary, the available evidence is currently insufficient to determine the role of this variant in disease. Therefore, it has been classified as a Variant of Uncertain Significance.